The following is an entry in ClinVar:

ClinVar aggregate classification (germline): Uncertain significance. Review status: criteria provided, multiple submitters, no conflicts (2 of 4 stars). 3 submissions from 3 submitters: Uncertain significance (2). 1 of the submissions does not count toward it. Last evaluated 2024-08-28.

Conditions:
Hereditary cancer-predisposing syndrome. Also called: Tumor predisposition; Hereditary neoplastic syndrome; Hereditary Cancer Syndrome; Neoplastic Syndromes, Hereditary. Identifiers: Orphanet 140162, MedGen C0027672, MeSH D009386, MONDO:0015356.
Bloom syndrome (BLM). Also called: Bloom-Torre-Machacek syndrome. Identifiers: Orphanet 125, MedGen C0005859, MONDO:0008876, OMIM 210900.

Submissions (3):

Labcorp Genetics (formerly Invitae), Labcorp
Classification: Uncertain significance for Bloom syndrome. Last evaluated: 2024-08-28. Review status: criteria provided, single submitter. Criteria: Invitae Variant Classification Sherloc (09022015). Collection method: clinical testing. Allele origin: germline.
Comment: This variant, c.636_638del, results in the deletion of 1 amino acid(s) of the BLM protein (p.Ser213del), but otherwise preserves the integrity of the reading frame. This variant is present in population databases (rs760096957, gnomAD 0.002%). This variant has not been reported in the literature in individuals affected with BLM-related conditions. ClinVar contains an entry for this variant (Variation ID: 961618). Experimental studies and prediction algorithms are not available or were not evaluated, and the functional significance of this variant is currently unknown. In summary, the available evidence is currently insufficient to determine the role of this variant in disease. Therefore, it has been classified as a Variant of Uncertain Significance.

Ambry Genetics
Classification: Uncertain significance for Hereditary cancer-predisposing syndrome. Last evaluated: 2022-12-13. Review status: criteria provided, single submitter. Criteria: Ambry Variant Classification Scheme 2023. Collection method: clinical testing. Allele origin: germline.
Comment: The c.636_638delCTC variant (also known as p.S213del) is located in coding exon 2 of the BLM gene. This variant results from an in-frame CTC deletion at nucleotide positions 636 to 638. This results in the in-frame deletion of a serine at codon 213. This amino acid position is not well conserved in available vertebrate species. In addition, the in silico prediction for this alteration is inconclusive (Choi Y et al. PLoS ONE. 2012; 7(10):e46688). Since supporting evidence is limited at this time, the clinical significance of this alteration remains unclear.

Natera, Inc.
Classification: Uncertain significance for Bloom syndrome. Last evaluated: 2021-06-01. Review status: no assertion criteria provided. Collection method: clinical testing. Allele origin: germline. Not counted in ClinVar's aggregate classification.

NM_000057.4(BLM):c.633CTC[1] (p.Ser213del)

Gene: BLM (BLM RecQ like helicase; plus strand). Cytogenetic location: 15q26.1.
Variant type: Microsatellite.
Coding change: c.633CTC[1] on transcript NM_000057.4 (MANE Select); one copy of the 3-base unit CTC starting at c.633; the reference has two copies in a row; one copy, 3 bases deleted; also written c.636_638del.
Protein change: p.Ser213del; deletes serine 213.
Molecular consequence: inframe deletion. On other transcripts: 5 prime UTR variant (1).
Genome position (GRCh38, 1-based): chr15:90,749,904-90,749,906, CTC deleted; deleting any 3 consecutive bases within chr15:90,749,900-90,749,906 gives the same sequence; the position shown is the placement nearest the transcript's 3' end. VCF-style (leftmost placement, unchanged base first): chr15-90749899-CCCT-C. GRCh37 (hg19) VCF-style: chr15-91293129-CCCT-C.
Other names: c.633CTC[1], p.Ser213del (NM_001287246.2, NM_001287247.2); c.-659CTC[1] (NM_001287248.2); c.636_638delCTC (NM_000057.2); c.636_638del (NM_000057.4); short protein forms S213del.
Identifiers: ClinVar variation 961618 (VCV000961618.13), dbSNP rs760096957, ClinGen allele CA7738316.